The following is an entry in ClinVar:

NM_001377.3(DYNC2H1):c.1294A>G (p.Thr432Ala)

Gene: DYNC2H1 (dynein cytoplasmic 2 heavy chain 1; plus strand). Cytogenetic location: 11q22.3.
Variant type: single nucleotide variant.
Coding change: c.1294A>G on transcript NM_001377.3 (MANE Select); coding-DNA position 1294, A replaced by G.
Protein change: p.Thr432Ala; replaces threonine 432 with alanine.
Molecular consequence: missense variant.
Genome position (GRCh38, 1-based): chr11:103,120,970, A>G. VCF-style: chr11-103120970-A-G. GRCh37 (hg19) VCF-style: chr11-102991699-A-G.
Other names: c.1294A>G, p.Thr432Ala (NM_001080463.2); short protein forms T432A.
Identifiers: ClinVar variation 4888179 (VCV004888179.2).

ClinVar aggregate classification (germline): Uncertain significance. Review status: criteria provided, multiple submitters, no conflicts (2 of 4 stars). 2 submissions from 2 submitters: Uncertain significance (2). Last evaluated 2026-01-22.

gnomAD v4.1: 133 of 1,583,820 alleles (0.0084%); highest among the groups gnomAD compares: Non-Finnish European, 0.011%; no homozygotes.

Submissions (2):

GeneDx
Classification: Uncertain significance. Last evaluated: 2026-01-22. Review status: criteria provided, single submitter. Criteria: GeneDx Variant Classification Process June 2021. Collection method: clinical testing. Allele origin: germline.
Comment: Not observed at significant frequency in large population cohorts (gnomAD); In silico analysis suggests that this missense variant does not alter protein structure/function; Has not been previously published as pathogenic or benign to our knowledge

Blueprint Genetics
Classification: Uncertain significance. Last evaluated: 2019-03-18. Review status: criteria provided, single submitter. Criteria: ACMG Guidelines, 2015. Collection method: clinical testing. Allele origin: germline.